The following is an entry in ClinVar:

NM_001360.3(DHCR7):c.391G>C (p.Glu131Gln)

Gene: DHCR7 (7-dehydrocholesterol reductase; minus strand). Cytogenetic location: 11q13.4.
Variant type: single nucleotide variant.
Coding change: c.391G>C on transcript NM_001360.3 (MANE Select); coding-DNA position 391, G replaced by C.
Protein change: p.Glu131Gln; replaces glutamic acid 131 with glutamine.
Molecular consequence: missense variant.
Genome position (GRCh38, 1-based): chr11:71,442,284, C>G on the plus strand (G>C on the coding strand, the complement: DHCR7 is on the minus strand). VCF-style: chr11-71442284-C-G. GRCh37 (hg19) VCF-style: chr11-71153330-C-G.
Other names: c.391G>C, p.Glu131Gln (NM_001425112.1, NM_001425118.1, NM_001425119.1 and 7 more transcripts); c.331G>C, p.Glu111Gln (NM_001425113.1); c.295G>C, p.Glu99Gln (NM_001425114.1, NM_001425116.1); c.217G>C, p.Glu73Gln (NM_001425117.1); c.427G>C, p.Glu143Gln (NM_001425108.1); short protein forms E111Q, E131Q, E143Q, E73Q, E99Q.
Identifiers: ClinVar variation 4540003 (VCV004540003.1).

ClinVar aggregate classification (germline): Uncertain significance (1 of 4 stars; one submission).

Submission:

GeneDx
Classification: Uncertain significance. Last evaluated: 2025-06-26. Review status: criteria provided, single submitter. Criteria: GeneDx Variant Classification Process June 2021. Collection method: clinical testing. Allele origin: germline. Affected: yes.
Comment: Not observed at significant frequency in large population cohorts (gnomAD); In silico analysis suggests that this missense variant does not alter protein structure/function; Has not been previously published as pathogenic or benign to our knowledge